The following is an entry in ClinVar:

ClinVar aggregate classification (germline): Uncertain significance. Review status: criteria provided, multiple submitters, no conflicts (2 of 4 stars). 2 submissions from 2 submitters: Uncertain significance (2). Last evaluated 2024-10-17.

Conditions:
Glycine encephalopathy. Also called: Non-ketotic hyperglycinemia; Nonketotic hyperglycinemia. Identifiers: Orphanet 407, MedGen C0751748, MONDO:0011612, HP:0008288.

Allele frequency attached by ClinVar (database versions not stated): ExAC 0.00002.

Submissions (2):

Labcorp Genetics (formerly Invitae), Labcorp
Classification: Uncertain significance for Glycine encephalopathy. Last evaluated: 2024-10-17. Review status: criteria provided, single submitter. Criteria: Invitae Variant Classification Sherloc (09022015). Collection method: clinical testing. Allele origin: germline.
Comment: This sequence change replaces proline, which is neutral and non-polar, with serine, which is neutral and polar, at codon 58 of the GLDC protein (p.Pro58Ser). The frequency data for this variant in the population databases is considered unreliable, as metrics indicate poor data quality at this position in the gnomAD database. This variant has not been reported in the literature in individuals affected with GLDC-related conditions. ClinVar contains an entry for this variant (Variation ID: 1311045). Invitae Evidence Modeling of protein sequence and biophysical properties (such as structural, functional, and spatial information, amino acid conservation, physicochemical variation, residue mobility, and thermodynamic stability) indicates that this missense variant is not expected to disrupt GLDC protein function with a negative predictive value of 80%. In summary, the available evidence is currently insufficient to determine the role of this variant in disease. Therefore, it has been classified as a Variant of Uncertain Significance.

GeneDx
Classification: Uncertain significance. Last evaluated: 2019-12-09. Review status: criteria provided, single submitter. Criteria: GeneDx Variant Classification Process June 2021. Collection method: clinical testing. Allele origin: germline. Affected: yes.
Comment: In silico analysis, which includes protein predictors and evolutionary conservation, supports a deleterious effect; Has not been previously published as pathogenic or benign to our knowledge

NM_000170.3(GLDC):c.172C>T (p.Pro58Ser)

Gene: GLDC (glycine decarboxylase; minus strand). Cytogenetic location: 9p24.1.
Variant type: single nucleotide variant.
Coding change: c.172C>T on transcript NM_000170.3 (MANE Select); coding-DNA position 172, C replaced by T.
Protein change: p.Pro58Ser; replaces proline 58 with serine.
Molecular consequence: missense variant.
Genome position (GRCh38, 1-based): chr9:6,645,328, G>A on the plus strand (C>T on the coding strand, the complement: GLDC is on the minus strand). VCF-style: chr9-6645328-G-A. GRCh37 (hg19) VCF-style: chr9-6645328-G-A.
Other names: short protein forms P58S.
Identifiers: ClinVar variation 1311045 (VCV001311045.5), dbSNP rs780963698, ClinGen allele CA4981280.